The following is an entry in ClinVar:

NM_000186.4(CFH):c.1397C>T (p.Thr466Ile)

Gene: CFH (complement factor H; plus strand). Cytogenetic location: 1q31.3.
Variant type: single nucleotide variant.
Coding change: c.1397C>T on transcript NM_000186.4 (MANE Select); coding-DNA position 1397, C replaced by T.
Protein change: p.Thr466Ile; replaces threonine 466 with isoleucine.
Molecular consequence: missense variant.
Genome position (GRCh38, 1-based): chr1:196,713,795, C>T. VCF-style: chr1-196713795-C-T. GRCh37 (hg19) VCF-style: chr1-196682925-C-T.
Other names: p.Thr466Ile; short protein forms T466I.
Identifiers: ClinVar variation 2295182 (VCV002295182.5), dbSNP rs1476126618, ClinGen allele CA343981811.
Genomic context (GRCh38, chr1:196,713,795, plus strand): 5'-AAACATGTTCCAAATCAAGTATAGATATTGAGAATGGGTTTATTTCTGAATCTCAGTATA[C>T]ATATGCCTTAAAAGAAAAAGCGAAATATCAATGCAAACTAGGATATGTAACAGCAGATGG-3'
Protein context (NP_000177.2, residues 456-476): ENGFISESQY[Thr466Ile]YALKEKAKYQ

ClinVar aggregate classification (germline): Uncertain significance. Review status: criteria provided, multiple submitters, no conflicts (2 of 4 stars). 3 submissions from 3 submitters: Uncertain significance (3). Last evaluated 2025-12-16.

Conditions:
Inborn genetic diseases. Identifiers: MedGen C0950123, MeSH D030342.

Allele frequency attached by ClinVar (database versions not stated): gnomAD exomes below 0.00001; TOPMed 0.00001.
gnomAD v4.1: 1 of 1,605,270 alleles (0.000062%); highest among the groups gnomAD compares: Admixed American, 0.0017%; no homozygotes.

Submissions (3):

Ambry Genetics
Classification: Uncertain significance for Inborn genetic diseases. Last evaluated: 2025-12-16. Review status: criteria provided, single submitter. Criteria: Ambry Variant Classification Scheme 2023. Collection method: clinical testing. Allele origin: germline.
Comment: The c.1397C>T (p.T466I) alteration is located in exon 10 (coding exon 10) of the CFH gene. This alteration results from a C to T substitution at nucleotide position 1397, causing the threonine (T) at amino acid position 466 to be replaced by an isoleucine (I). Based on data from gnomAD, the T allele has an overall frequency of <0.001% (0/250222) total alleles studied. The highest observed frequency was <0.001% (/) of alleles. Based on insufficient or conflicting evidence, the clinical significance of this alteration remains unclear.

Labcorp Genetics (formerly Invitae), Labcorp
Classification: Uncertain significance. Last evaluated: 2025-10-07. Review status: criteria provided, single submitter. Criteria: Invitae Variant Classification Sherloc (09022015). Collection method: clinical testing. Allele origin: germline.
Comment: This sequence change replaces threonine, which is neutral and polar, with isoleucine, which is neutral and non-polar, at codon 466 of the CFH protein (p.Thr466Ile). This variant is not present in population databases (gnomAD no frequency). This variant has not been reported in the literature in individuals affected with CFH-related conditions. ClinVar contains an entry for this variant (Variation ID: 2295182). An algorithm developed to predict the effect of missense changes on protein structure and function outputs the following: PolyPhen-2: "Benign". The isoleucine amino acid residue is found in multiple mammalian species, which suggests that this missense change does not adversely affect protein function. In summary, the available evidence is currently insufficient to determine the role of this variant in disease. Therefore, it has been classified as a Variant of Uncertain Significance.

Mayo Clinic Laboratories, Mayo Clinic
Classification: Uncertain significance. Last evaluated: 2024-05-14. Review status: criteria provided, single submitter. Criteria: ACMG Guidelines, 2015. Collection method: clinical testing. Allele origin: germline. Observed: 1 variant allele.
Comment: BP4